The following is an entry in ClinVar:

ClinVar aggregate classification (germline): Uncertain significance (1 of 4 stars; one submission).

Conditions:
Hereditary cancer-predisposing syndrome. Also called: Neoplastic Syndromes, Hereditary; Hereditary Cancer Syndrome; Hereditary neoplastic syndrome; Tumor predisposition. Identifiers: Orphanet 140162, MedGen C0027672, MeSH D009386, MONDO:0015356.

Submission:

Ambry Genetics
Classification: Uncertain significance for Hereditary cancer-predisposing syndrome. Last evaluated: 2023-06-06. Review status: criteria provided, single submitter. Criteria: Ambry Variant Classification Scheme 2023. Collection method: clinical testing. Allele origin: germline.
Comment: The c.1120_1123delGAAG variant, located in coding exon 9 of the RAD51C gene, results from a deletion of 4 nucleotides at nucleotide positions 1120 to 1123, causing a translational frameshift with a predicted alternate stop codon (p.E374Nfs*32). This alteration occurs at the 3' terminus of theRAD51C gene, is not expected to trigger nonsense-mediated mRNAdecay and results in the elongation of the protein by 29 amino acids. This frameshift impacts the last 3amino acids of the native protein. The exact functional effect of the altered amino acids is unknown. This variant is considered to be rare based on population cohorts in the Genome Aggregation Database (gnomAD). Since supporting evidence is limited at this time, the clinical significance of this alteration remains unclear.

NM_058216.3(RAD51C):c.1120_1123del (p.Glu374fs)

Gene: RAD51C (RAD51 paralog C; plus strand). Cytogenetic location: 17q22.
Variant type: Deletion.
Coding change: c.1120_1123del on transcript NM_058216.3 (MANE Select); coding-DNA positions 1120 to 1123, 4 bases deleted (GAAG; older notation c.1120_1123delGAAG).
Protein change: p.Glu374fs; shifts the reading frame from glutamic acid 374.
Molecular consequence: frameshift variant. On other transcripts: non-coding transcript variant (1).
Genome position (GRCh38, 1-based): chr17:58,734,211-58,734,214, GAAG deleted; deleting any 4 consecutive bases within chr17:58,734,209-58,734,214 gives the same sequence; the c. name uses the placement nearest the transcript's 3' end. VCF-style (leftmost placement, unchanged base first): chr17-58734208-GAGGA-G. GRCh37 (hg19) VCF-style: chr17-56811569-GAGGA-G.
Other names: c.*548_*551delGAAG (NM_058217.1); short protein forms E374fs.
Identifiers: ClinVar variation 2562778 (VCV002562778.2), dbSNP rs2509370176, ClinGen allele CA2580613173.